The following is an entry in ClinVar:

ClinVar aggregate classification (germline): Uncertain significance (1 of 4 stars; one submission).

Conditions:
Inborn genetic diseases. Identifiers: MedGen C0950123, MeSH D030342.

Submission:

Ambry Genetics
Classification: Uncertain significance for Inborn genetic diseases. Last evaluated: 2026-05-14. Review status: criteria provided, single submitter. Criteria: Ambry Variant Classification Scheme 2023. Collection method: clinical testing. Allele origin: germline.
Comment: The p.D509N variant (also known as c.1525G>A), located in coding exon 1 of the SAMD9 gene, results from a G to A substitution at nucleotide position 1525. The aspartic acid at codon 509 is replaced by asparagine, an amino acid with highly similar properties. This amino acid position is conserved. In addition, this alteration is predicted to be tolerated by in silico analysis. Based on the available evidence, the clinical significance of this variant remains unclear.

NM_017654.4(SAMD9):c.1525G>A (p.Asp509Asn)

Gene: SAMD9 (sterile alpha motif domain containing 9; minus strand). Cytogenetic location: 7q21.2.
Variant type: single nucleotide variant.
Coding change: c.1525G>A on transcript NM_017654.4 (MANE Select); coding-DNA position 1525, G replaced by A.
Protein change: p.Asp509Asn; replaces aspartic acid 509 with asparagine.
Molecular consequence: missense variant.
Genome position (GRCh38, 1-based): chr7:93,104,573, C>T on the plus strand (G>A on the coding strand, the complement: SAMD9 is on the minus strand). VCF-style: chr7-93104573-C-T. GRCh37 (hg19) VCF-style: chr7-92733886-C-T.
Other names: c.1525G>A, p.Asp509Asn (NM_001193307.2); short protein forms D509N.
Identifiers: ClinVar variation 4863847 (VCV004863847.1).